The following is an entry in ClinVar:

ClinVar aggregate classification (germline): Benign/Likely benign. Review status: criteria provided, multiple submitters, no conflicts (2 of 4 stars). 5 submissions from 5 submitters: Benign (1); Likely benign (4). Last evaluated 2025-10-23.

Conditions:
Hereditary nonpolyposis colorectal neoplasms. Identifiers: MedGen C0009405, MeSH D003123.
Hereditary cancer-predisposing syndrome. Also called: Neoplastic Syndromes, Hereditary; Hereditary Cancer Syndrome; Hereditary neoplastic syndrome; Tumor predisposition. Identifiers: Orphanet 140162, MedGen C0027672, MeSH D009386, MONDO:0015356.
Lynch syndrome 5 (LYNCH5). Also called: Colorectal cancer, hereditary nonpolyposis, type 5; Hereditary non-polyposis colorectal cancer, type 5. Identifiers: Orphanet 144, MedGen C1833477, MONDO:0013710, OMIM 614350. Disease mechanism: loss of function.

Allele frequency attached by ClinVar (database versions not stated): gnomAD 0.00001.

Submissions (5):

Labcorp Genetics (formerly Invitae), Labcorp
Classification: Likely benign for Hereditary nonpolyposis colorectal neoplasms. Last evaluated: 2025-10-23. Review status: criteria provided, single submitter. Criteria: Invitae Variant Classification Sherloc (09022015). Collection method: clinical testing. Allele origin: germline.

Myriad Genetics, Inc.
Classification: Benign for Lynch syndrome 5. Last evaluated: 2024-12-17. Review status: criteria provided, single submitter. Criteria: Myriad Autosomal Dominant, Autosomal Recessive and X-Linked Classification Criteria (2023). Collection method: clinical testing. Allele origin: unknown.
Comment: This variant is considered benign. This variant is a silent/synonymous amino acid change and it is not expected to impact splicing.

Blueprint Genetics
Classification: Likely benign. Last evaluated: 2022-07-15. Review status: criteria provided, single submitter. Criteria: ACMG Guidelines, 2015. Collection method: clinical testing. Allele origin: germline.

Sema4
Classification: Likely benign for Hereditary cancer-predisposing syndrome. Last evaluated: 2022-02-13. Review status: criteria provided, single submitter. Criteria: Sema4 Curation Guidelines. Collection method: curation. Allele origin: germline.

Ambry Genetics
Classification: Likely benign for Hereditary cancer-predisposing syndrome. Last evaluated: 2016-09-09. Review status: criteria provided, single submitter. Criteria: Ambry Variant Classification Scheme 2023. Collection method: clinical testing. Allele origin: germline.

NM_000179.3(MSH6):c.232A>C (p.Arg78=)

Gene: MSH6 (mutS homolog 6; plus strand). Cytogenetic location: 2p16.3.
Variant type: single nucleotide variant.
Coding change: c.232A>C on transcript NM_000179.3 (MANE Select); coding-DNA position 232, A replaced by C.
Protein change: p.Arg78=; no amino-acid change (arginine 78 retained).
Molecular consequence: synonymous variant. On other transcripts: 5 prime UTR variant (1).
Genome position (GRCh38, 1-based): chr2:47,783,465, A>C. VCF-style: chr2-47783465-A-C. GRCh37 (hg19) VCF-style: chr2-48010604-A-C.
Other names: c.232A>C, p.Arg78= (NM_001281492.2); c.-505A>C (NM_001281493.2).
Identifiers: ClinVar variation 455188 (VCV000455188.19), dbSNP rs1553408408, ClinGen allele CA426120856.